The following is an entry in ClinVar:

ClinVar aggregate classification (germline): Uncertain significance (1 of 4 stars; one submission).

Conditions:
Leigh syndrome (NULS). Also called: Leigh's necrotizing encephalopathy; Leigh's disease; Leigh's syndrome; LEIGH SYNDROME, NUCLEAR; Leigh Syndrome (mtDNA deletion); Leigh Disease. Identifiers: Orphanet 506, MedGen C2931891, MONDO:0009723, OMIM 256000.

Submission:

Wong Mito Lab, Molecular and Human Genetics, Baylor College of Medicine
Classification: Uncertain significance for Leigh syndrome. Last evaluated: 2019-10-17. Review status: criteria provided, single submitter. Criteria: Modified ACMG Guidelines (Unpublished). Collection method: clinical testing. Allele origin: germline.
Comment: The NC_012920.1:m.15737G>A (YP_003024038.1:p.Asp331Asn) variant in MTCYB gene is interpretated to be a Uncertain Significance variant based on the modified ACMG guidelines (unpublished). This variant meets the following evidence codes: PP4, BP4

NC_012920.1(MT-CYB):m.15737G>A

Gene: MT-CYB (mitochondrially encoded cytochrome b; plus strand).
Variant type: single nucleotide variant.
Genome position: chrM-15737-G-A.
Identifiers: ClinVar variation 693942 (VCV000693942.1), dbSNP rs1603225449, ClinGen allele CA913174699.
Genomic context (GRCh38, chrMT:15,737, plus strand): 5'-AAACAACAAAGCATAATATTTCGCCCACTAAGCCAATCACTTTATTGACTCCTAGCCGCA[G>A]ACCTCCTCATTCTAACCTGAATCGGAGGACAACCAGTAAGCTACCCTTTTACCATCATTG-3'